The following is an entry in ClinVar:

NM_001256864.2(DNAJC6):c.154C>G (p.Arg52Gly)

Gene: DNAJC6 (DnaJ heat shock protein family (Hsp40) member C6; plus strand). Cytogenetic location: 1p31.3.
Variant type: single nucleotide variant.
Coding change: c.154C>G on transcript NM_001256864.2 (MANE Select); coding-DNA position 154, C replaced by G.
Protein change: p.Arg52Gly; replaces arginine 52 with glycine.
Molecular consequence: missense variant. On other transcripts: intron variant (2).
Genome position (GRCh38, 1-based): chr1:65,309,899, C>G. VCF-style: chr1-65309899-C-G. GRCh37 (hg19) VCF-style: chr1-65775582-C-G.
Other names: c.-130-35712C>G (NM_001256865.2); c.22+44967C>G (NM_014787.4); short protein forms R52G.
Identifiers: ClinVar variation 1363460 (VCV001363460.8), dbSNP rs547312338, ClinGen allele CA23912411.
Genomic context (GRCh38, chr1:65,309,899, plus strand): 5'-AGCGGCGGGGTTGGCGGCAAGCAGAGAGTGAACGCCGGGGCAGCGGCGCGGAGTCCCGCC[C>G]GACAGCCTCCGGACCGCGCCAGCACCATGGACAGCTCAGGTAGCGCTGCCCGAGGGGAGT-3'
Protein context (NP_001243793.1, residues 42-62): NAGAAARSPA[Arg52Gly]QPPDRASTMD

ClinVar aggregate classification (germline): Uncertain significance (1 of 4 stars; one submission).

Conditions:
Juvenile onset Parkinson disease 19A. Also called: PARK19; DNAJC6 Parkinson Disease. Identifiers: Orphanet 391411, MedGen C3809811, MONDO:0014231, OMIM 615528.

Allele frequency attached by ClinVar (database versions not stated): gnomAD 0.00001; gnomAD exomes 0.00002; TOPMed 0.00003; 1000 Genomes Project 0.00020; 1000 Genomes Project 30x 0.00031.
gnomAD v4.1: 29 of 1,539,958 alleles (0.0019%); highest among the groups gnomAD compares: Non-Finnish European, 0.0022%; no homozygotes.

Submission:

Labcorp Genetics (formerly Invitae), Labcorp
Classification: Uncertain significance for Juvenile onset Parkinson disease 19A. Last evaluated: 2024-01-09. Review status: criteria provided, single submitter. Criteria: Invitae Variant Classification Sherloc (09022015). Collection method: clinical testing. Allele origin: germline.
Comment: This sequence change replaces arginine, which is basic and polar, with glycine, which is neutral and non-polar, at codon 52 of the DNAJC6 protein (p.Arg52Gly). This variant is present in population databases (rs547312338, gnomAD 0.004%). This variant has not been reported in the literature in individuals affected with DNAJC6-related conditions. ClinVar contains an entry for this variant (Variation ID: 1363460). An algorithm developed to predict the effect of missense changes on protein structure and function (PolyPhen-2) suggests that this variant is likely to be tolerated. In summary, the available evidence is currently insufficient to determine the role of this variant in disease. Therefore, it has been classified as a Variant of Uncertain Significance.